The following is an entry in ClinVar:

NM_014845.6(FIG4):c.1620C>T (p.Thr540=)

Gene: FIG4 (FIG4 phosphoinositide 5-phosphatase; plus strand). Cytogenetic location: 6q21.
Variant type: single nucleotide variant.
Coding change: c.1620C>T on transcript NM_014845.6 (MANE Select); coding-DNA position 1620, C replaced by T.
Protein change: p.Thr540=; no amino-acid change (threonine 540 retained).
Molecular consequence: synonymous variant.
Genome position (GRCh38, 1-based): chr6:109,766,765, C>T. VCF-style: chr6-109766765-C-T. GRCh37 (hg19) VCF-style: chr6-110087968-C-T.
Identifiers: ClinVar variation 695232 (VCV000695232.13), dbSNP rs746367416, ClinGen allele CA3956149.

ClinVar aggregate classification (germline): Likely benign. Review status: criteria provided, multiple submitters, no conflicts (2 of 4 stars). 3 submissions from 3 submitters: Likely benign (3). Last evaluated 2026-07-06.

Conditions:
Charcot-Marie-Tooth disease type 4. Also called: Charcot-Marie-Tooth disease, type IV; Charcot-Marie-Tooth, Type 4. Identifiers: Orphanet 64749, MedGen C4082197, MONDO:0018995.
FIG4-related disorder. Also called: FIG4-related disorders; FIG4-related condition.

Allele frequency attached by ClinVar (database versions not stated): gnomAD exomes 0.00005 and 0.00002; ExAC 0.00001; TOPMed 0.00003.
gnomAD v4.1: 89 of 1,613,482 alleles (0.0055%); highest among the groups gnomAD compares: Non-Finnish European, 0.0068%; no homozygotes.

Submissions (3):

PreventionGenetics, part of Exact Sciences
Classification: Likely benign for FIG4-related condition. Last evaluated: 2026-07-06. Review status: criteria provided, single submitter. Criteria: ACMG Guidelines, 2015. Collection method: clinical testing. Allele origin: germline.
Comment: This variant is classified as likely benign based on ACMG/AMP sequence variant interpretation guidelines (Richards et al. 2015 PMID: 25741868, with internal and published modifications).

Labcorp Genetics (formerly Invitae), Labcorp
Classification: Likely benign for Charcot-Marie-Tooth disease type 4. Last evaluated: 2025-10-02. Review status: criteria provided, single submitter. Criteria: Invitae Variant Classification Sherloc (09022015). Collection method: clinical testing. Allele origin: germline.

GeneDx
Classification: Likely benign. Last evaluated: 2019-06-24. Review status: criteria provided, single submitter. Criteria: GeneDx Variant Classification Process June 2021. Collection method: clinical testing. Allele origin: germline. Affected: yes.